The following is an entry in ClinVar:

ClinVar aggregate classification (germline): Uncertain significance (1 of 4 stars; one submission).

Conditions:
Centromeric instability of chromosomes 1,9 and 16 and immunodeficiency (ICF1). Also called: CENTROMERIC INSTABILITY, IMMUNODEFICIENCY SYNDROME; IMMUNE DEFICIENCY, VARIABLE, WITH CENTROMERIC INSTABILITY OF CHROMOSOMES 1, 9, AND 16; IMMUNODEFICIENCY SYNDROME, VARIABLE; Immunodeficiency-centromeric instability-facial anomalies. Identifiers: Orphanet 2268, MedGen C0398788, MONDO:0000133.

Submission:

Labcorp Genetics (formerly Invitae), Labcorp
Classification: Uncertain significance for Centromeric instability of chromosomes 1,9 and 16 and immunodeficiency. Last evaluated: 2022-11-22. Review status: criteria provided, single submitter. Criteria: Invitae Variant Classification Sherloc (09022015). Collection method: clinical testing. Allele origin: germline.
Comment: This sequence change replaces proline, which is neutral and non-polar, with alanine, which is neutral and non-polar, at codon 85 of the DNMT3B protein (p.Pro85Ala). This variant is not present in population databases (gnomAD no frequency). This variant has not been reported in the literature in individuals affected with DNMT3B-related conditions. ClinVar contains an entry for this variant (Variation ID: 1062753). Algorithms developed to predict the effect of missense changes on protein structure and function are either unavailable or do not agree on the potential impact of this missense change (SIFT: "Tolerated"; PolyPhen-2: "Probably Damaging"; Align-GVGD: "Class C0"). In summary, the available evidence is currently insufficient to determine the role of this variant in disease. Therefore, it has been classified as a Variant of Uncertain Significance.

NM_006892.4(DNMT3B):c.253C>G (p.Pro85Ala)

Gene: DNMT3B (DNA methyltransferase 3 beta; plus strand). Cytogenetic location: 20q11.21.
Variant type: single nucleotide variant.
Coding change: c.253C>G on transcript NM_006892.4 (MANE Select); coding-DNA position 253, C replaced by G.
Protein change: p.Pro85Ala; replaces proline 85 with alanine.
Molecular consequence: missense variant. On other transcripts: intron variant (1).
Genome position (GRCh38, 1-based): chr20:32,784,806, C>G. VCF-style: chr20-32784806-C-G. GRCh37 (hg19) VCF-style: chr20-31372612-C-G.
Other names: c.253C>G, p.Pro85Ala (NM_001207055.2, NM_175848.2, NM_175849.2); c.289C>G, p.Pro97Ala (NM_175850.3); c.205-2424C>G (NM_001207056.2); short protein forms P85A, P97A.
Identifiers: ClinVar variation 1062753 (VCV001062753.9), dbSNP rs1601085875, ClinGen allele CA408585593.